The following is an entry in ClinVar:

NM_002637.4(PHKA1):c.306C>A (p.Phe102Leu)

Genes: PHKA1 (phosphorylase kinase regulatory subunit alpha 1; minus strand), PHKA1-AS1 (PHKA1 antisense RNA 1; plus strand). Cytogenetic location: Xq13.1.
Variant type: single nucleotide variant.
Coding change: c.306C>A on transcript NM_002637.4 (MANE Select); coding-DNA position 306, C replaced by A.
Protein change: p.Phe102Leu; replaces phenylalanine 102 with leucine.
Molecular consequence: missense variant.
Genome position (GRCh38, 1-based): chrX:72,695,856, G>T on the plus strand (C>A on the coding strand, the complement: PHKA1 is on the minus strand). VCF-style: chrX-72695856-G-T. GRCh37 (hg19) VCF-style: chrX-71915706-G-T.
Other names: c.306C>A, p.Phe102Leu (NM_001122670.2, NM_001172436.2); short protein forms F102L.
Identifiers: ClinVar variation 1711713 (VCV001711713.30), dbSNP rs1352636921, ClinGen allele CA413639562.

ClinVar aggregate classification (germline): Uncertain significance (1 of 4 stars; one submission).

Allele frequency attached by ClinVar (database versions not stated): gnomAD exomes below 0.00001; TOPMed below 0.00001; gnomAD 0.00001.
gnomAD v4.1: 4 of 1,205,905 alleles (0.00033%); highest among the groups gnomAD compares: Non-Finnish European, 0.00045%; no homozygotes.

Submission:

CeGaT Center for Human Genetics Tuebingen
Classification: Uncertain significance. Last evaluated: 2022-09-01. Review status: criteria provided, single submitter. Criteria: CeGaT Center For Human Genetics Tuebingen Variant Classification Criteria Version 2. Collection method: clinical testing. Allele origin: germline. Affected: yes. Observed: 1 variant allele.
Comment: PHKA1: PM2, PM3:Supporting, PP3, PP4